The following is an entry in ClinVar:

ClinVar aggregate classification (germline): Uncertain significance (1 of 4 stars; one submission).

Conditions:
Microphthalmia, syndromic 1 (MCOPS1). Also called: ANOP1. Identifiers: Orphanet 568, Orphanet 85275, MedGen C0796016, MONDO:0010671, OMIM 309800.
Ogden syndrome (OGDNS). Also called: N-TERMINAL ACETYLTRANSFERASE DEFICIENCY. Identifiers: Orphanet 276432, MedGen C3275447, MONDO:0010457, OMIM 300855.

Submission:

Juno Genomics, Hangzhou Juno Genomics, Inc
Classification: Uncertain significance for Microphthalmia, syndromic 1; Ogden syndrome. Review status: criteria provided, single submitter. Criteria: ACMG Guidelines, 2015. Collection method: clinical testing. Allele origin: germline. Affected: yes.
Comment: Absent from controls (or at extremely low frequency if recessive) in Genome Aggregation Database, Exome Sequencing Project, 1000 Genomes Project, or Exome Aggregation Consortium.;Multiple lines of computational evidence support a deleterious effect on the gene or gene product (conservation, evolutionary, splicing impact, etc).

NM_003491.4(NAA10):c.244C>T (p.Arg82Trp)

Gene: NAA10 (N-alpha-acetyltransferase 10, NatA catalytic subunit; minus strand). Cytogenetic location: Xq28.
Variant type: single nucleotide variant.
Coding change: c.244C>T on transcript NM_003491.4 (MANE Select); coding-DNA position 244, C replaced by T.
Protein change: p.Arg82Trp; replaces arginine 82 with tryptophan.
Molecular consequence: missense variant.
Genome position (GRCh38, 1-based): chrX:153,932,413, G>A on the plus strand (C>T on the coding strand, the complement: NAA10 is on the minus strand). VCF-style: chrX-153932413-G-A. GRCh37 (hg19) VCF-style: chrX-153197866-G-A.
Other names: c.244C>T, p.Arg82Trp (NM_001256119.2); c.226C>T, p.Arg76Trp (NM_001256120.2); short protein forms R76W, R82W.
Identifiers: ClinVar variation 3383025 (VCV003383025.2).